The following is an entry in ClinVar:

ClinVar aggregate classification (germline): Pathogenic (1 of 4 stars; one submission).

Conditions:
Primary ciliary dyskinesia. Also called: Ciliary dyskinesia. Identifiers: Orphanet 244, MedGen C0008780, MONDO:0016575, HP:0012265.

Submission:

Labcorp Genetics (formerly Invitae), Labcorp
Classification: Pathogenic for Primary ciliary dyskinesia. Last evaluated: 2023-10-08. Review status: criteria provided, single submitter. Criteria: Invitae Variant Classification Sherloc (09022015). Collection method: clinical testing. Allele origin: unknown.
Comment: This variant is a gross deletion of the genomic region encompassing exon(s) 1 of the CCDC39 gene, which includes the initiator codon. This deletion extends beyond the assayed region for this gene and therefore may encompass additional genes. It is expected to result in an absent or disrupted protein product. Loss-of-function variants in CCDC39 are known to be pathogenic (PMID: 21131972, 23255504). This variant has not been reported in the literature in individuals affected with CCDC39-related conditions. For these reasons, this variant has been classified as Pathogenic.

Literature cited by the submitters: PubMed 21131972; PubMed 23255504.

NC_000003.11:g.(?_180397059)_(180397168_?)del

Gene: CCDC39 (coiled-coil domain 39 molecular ruler complex subunit; minus strand). Cytogenetic location: 3q26.33.
Variant type: Deletion.
Identifiers: ClinVar variation 3246786 (VCV003246786.1).